The following is an entry in ClinVar:

NM_001113378.2(FANCI):c.1463dup (p.Leu488fs)

Gene: FANCI (FA complementation group I; plus strand). Cytogenetic location: 15q26.1.
Variant type: Duplication.
Coding change: c.1463dup on transcript NM_001113378.2 (MANE Select); coding-DNA position 1463, one base duplicated (T; older notation c.1463dupT).
Protein change: p.Leu488fs; shifts the reading frame from leucine 488.
Molecular consequence: frameshift variant.
Genome position (GRCh38, 1-based): chr15:89,281,251, T duplicated; the last of 3 consecutive T bases (chr15:89,281,249-89,281,251); duplicating any one gives the same sequence. VCF-style (leftmost placement, unchanged base first): chr15-89281248-A-AT. GRCh37 (hg19) VCF-style: chr15-89824479-A-AT.
Other names: c.1184dup, p.Leu395fs (NM_001376910.1); c.1463dup, p.Leu488fs (NM_001376911.1, NM_018193.3); c.1463dupT (NM_001113378.2); short protein forms L395fs, L488fs.
Identifiers: ClinVar variation 4887419 (VCV004887419.1).
Genomic context (GRCh38, chr15:89,281,248, plus strand): 5'-TCATGTATGCACCCTTAGTTCTTCAAAGTTGTTCTTCTAAAGTCACAGAAGCTTTTGACT[A>AT]TTTGTCCTTTCTGCCCCTTCAGACTGTACAAAGGCTGCTTAAGGCAGTGCAGGTAAGTCT-3'

ClinVar aggregate classification (germline): Pathogenic (1 of 4 stars; one submission).

Conditions:
Fanconi anemia (FA). Also called: Fanconi's anemia. Identifiers: Orphanet 84, MedGen C0015625, MeSH D005199, MONDO:0019391.

Submission:

Women's Health and Genetics/Laboratory Corporation of America, LabCorp
Classification: Pathogenic for Fanconi anemia. Last evaluated: 2026-06-09. Review status: criteria provided, single submitter. Criteria: LabCorp Variant Classification Summary - May 2015. Collection method: clinical testing. Allele origin: germline.
Comment: Variant summary: FANCI c.1463dupT (p.Leu488PhefsX14) results in a premature termination codon, predicted to cause a truncation of the encoded protein or absence of the protein due to nonsense mediated decay, which are commonly known mechanisms for disease. The variant was absent in 251402 control chromosomes. To our knowledge, no occurrence of c.1463dupT in individuals affected with FANCI-related conditions and no experimental evidence demonstrating its impact on protein function have been reported. No submitters have cited clinical-significance assessments for this variant to ClinVar. Based on the evidence outlined above, the variant was classified as pathogenic.